The following is an entry in ClinVar:

NM_001330691.3(CEP78):c.809A>G (p.Asn270Ser)

Gene: CEP78 (centrosomal protein 78; plus strand). Cytogenetic location: 9q21.2.
Variant type: single nucleotide variant.
Coding change: c.809A>G on transcript NM_001330691.3 (MANE Select); coding-DNA position 809, A replaced by G.
Protein change: p.Asn270Ser; replaces asparagine 270 with serine.
Molecular consequence: missense variant.
Genome position (GRCh38, 1-based): chr9:78,246,699, A>G. VCF-style: chr9-78246699-A-G. GRCh37 (hg19) VCF-style: chr9-80861615-A-G.
Other names: c.809A>G, p.Asn270Ser (NM_001098802.3, NM_001330693.3, NM_001330694.2 and 4 more transcripts); short protein forms N270S.
Identifiers: ClinVar variation 1502515 (VCV001502515.18), dbSNP rs372759241, ClinGen allele CA5095034.

ClinVar aggregate classification (germline): Uncertain significance. Review status: criteria provided, multiple submitters, no conflicts (2 of 4 stars). 2 submissions from 2 submitters: Uncertain significance (2). Last evaluated 2024-10-01.

Allele frequency attached by ClinVar (database versions not stated): gnomAD 0.00003; TOPMed 0.00005; ESP Exome Variant Server 0.00008.

Submissions (2):

CeGaT Center for Human Genetics Tuebingen
Classification: Uncertain significance. Last evaluated: 2024-10-01. Review status: criteria provided, single submitter. Criteria: CeGaT Center For Human Genetics Tuebingen Variant Classification Criteria Version 2. Collection method: clinical testing. Allele origin: germline. Affected: yes. Observed: 1 variant allele.
Comment: CEP78: PM2, BP4

Labcorp Genetics (formerly Invitae), Labcorp
Classification: Uncertain significance. Last evaluated: 2022-10-17. Review status: criteria provided, single submitter. Criteria: Invitae Variant Classification Sherloc (09022015). Collection method: clinical testing. Allele origin: germline.
Comment: This sequence change replaces asparagine, which is neutral and polar, with serine, which is neutral and polar, at codon 270 of the CEP78 protein (p.Asn270Ser). Advanced modeling of protein sequence and biophysical properties (such as structural, functional, and spatial information, amino acid conservation, physicochemical variation, residue mobility, and thermodynamic stability) performed at Invitae indicates that this missense variant is not expected to disrupt CEP78 protein function. This variant is present in population databases (rs372759241, gnomAD 0.005%). This variant has not been reported in the literature in individuals affected with CEP78-related conditions. ClinVar contains an entry for this variant (Variation ID: 1502515). In summary, the available evidence is currently insufficient to determine the role of this variant in disease. Therefore, it has been classified as a Variant of Uncertain Significance.